The following is an entry in ClinVar:

NM_001164508.2(NEB):c.3677A>G (p.Lys1226Arg)

Gene: NEB (nebulin; minus strand). Cytogenetic location: 2q23.3.
Variant type: single nucleotide variant.
Coding change: c.3677A>G on transcript NM_001164508.2 (MANE Select); coding-DNA position 3677, A replaced by G.
Protein change: p.Lys1226Arg; replaces lysine 1226 with arginine.
Molecular consequence: missense variant.
Genome position (GRCh38, 1-based): chr2:151,677,662, T>C on the plus strand (A>G on the coding strand, the complement: NEB is on the minus strand). VCF-style: chr2-151677662-T-C. GRCh37 (hg19) VCF-style: chr2-152534176-T-C.
Other names: c.3677A>G, p.Lys1226Arg (NM_001164507.2, NM_001271208.2, NM_004543.5); short protein forms K1226R.
Identifiers: ClinVar variation 959580 (VCV000959580.9), dbSNP rs2099381015, ClinGen allele CA348818549.

ClinVar aggregate classification (germline): Uncertain significance (1 of 4 stars; one submission).

Conditions:
Nemaline myopathy 2 (NEM2). Also called: Nemaline myopathy 2, autosomal recessive. Identifiers: MedGen C1850569, MONDO:0009725, OMIM 256030.

Submission:

Labcorp Genetics (formerly Invitae), Labcorp
Classification: Uncertain significance for Nemaline myopathy 2. Last evaluated: 2019-11-16. Review status: criteria provided, single submitter. Criteria: Invitae Variant Classification Sherloc (09022015). Collection method: clinical testing. Allele origin: germline.
Comment: This sequence change replaces lysine with arginine at codon 1226 of the NEB protein (p.Lys1226Arg). The lysine residue is moderately conserved and there is a small physicochemical difference between lysine and arginine. This variant is not present in population databases (ExAC no frequency). This variant has not been reported in the literature in individuals with NEB-related conditions. Algorithms developed to predict the effect of missense changes on protein structure and function are either unavailable or do not agree on the potential impact of this missense change (SIFT: "Deleterious"; PolyPhen-2: "Not available"; Align-GVGD: "Class C0"). Algorithms developed to predict the effect of sequence changes on RNA splicing suggest that this variant may create or strengthen a splice site, but this prediction has not been confirmed by published transcriptional studies. In summary, the available evidence is currently insufficient to determine the role of this variant in disease. Therefore, it has been classified as a Variant of Uncertain Significance.